The following is an entry in ClinVar:

NM_005228.5(EGFR):c.1465A>C (p.Lys489Gln)

Gene: EGFR (epidermal growth factor receptor; plus strand). Cytogenetic location: 7p11.2.
Variant type: single nucleotide variant.
Coding change: c.1465A>C on transcript NM_005228.5 (MANE Select); coding-DNA position 1465, A replaced by C.
Protein change: p.Lys489Gln; replaces lysine 489 with glutamine.
Molecular consequence: missense variant.
Genome position (GRCh38, 1-based): chr7:55,160,305, A>C. VCF-style: chr7-55160305-A-C. GRCh37 (hg19) VCF-style: chr7-55227998-A-C.
Other names: c.1330A>C, p.Lys444Gln (NM_001346897.2, NM_001346899.2); c.1465A>C, p.Lys489Gln (NM_001346898.2, NM_201282.2, NM_201284.2); c.1306A>C, p.Lys436Gln (NM_001346900.2); c.664A>C, p.Lys222Gln (NM_001346941.2); short protein forms K222Q, K444Q, K436Q, K489Q.
Identifiers: ClinVar variation 3664993 (VCV003664993.3).

ClinVar aggregate classification (germline): Uncertain significance. Review status: criteria provided, multiple submitters, no conflicts (2 of 4 stars). 2 submissions from 2 submitters: Uncertain significance (2). Last evaluated 2026-07-07.

Conditions:
EGFR-related lung cancer (EGFR). Identifiers: MedGen CN130014.
Hereditary cancer-predisposing syndrome. Also called: Tumor predisposition; Hereditary neoplastic syndrome; Hereditary Cancer Syndrome; Neoplastic Syndromes, Hereditary. Identifiers: Orphanet 140162, MedGen C0027672, MeSH D009386, MONDO:0015356.

Submissions (2):

Ambry Genetics
Classification: Uncertain significance for Hereditary cancer-predisposing syndrome. Last evaluated: 2026-07-07. Review status: criteria provided, single submitter. Criteria: Ambry Variant Classification Scheme 2023. Collection method: clinical testing. Allele origin: germline.
Comment: The p.K489Q variant (also known as c.1465A>C), located in coding exon 12 of the EGFR gene, results from an A to C substitution at nucleotide position 1465. The lysine at codon 489 is replaced by glutamine, an amino acid with similar properties. This amino acid position is conserved. In addition, the in silico prediction for this alteration is inconclusive. Based on the available evidence, the clinical significance of this variant remains unclear.

Labcorp Genetics (formerly Invitae), Labcorp
Classification: Uncertain significance for EGFR-related lung cancer. Last evaluated: 2024-10-28. Review status: criteria provided, single submitter. Criteria: Invitae Variant Classification Sherloc (09022015). Collection method: clinical testing. Allele origin: germline.
Comment: This sequence change replaces lysine, which is basic and polar, with glutamine, which is neutral and polar, at codon 489 of the EGFR protein (p.Lys489Gln). This variant is not present in population databases (gnomAD no frequency). This variant has not been reported in the literature in individuals affected with EGFR-related conditions. Invitae Evidence Modeling of protein sequence and biophysical properties (such as structural, functional, and spatial information, amino acid conservation, physicochemical variation, residue mobility, and thermodynamic stability) indicates that this missense variant is not expected to disrupt EGFR protein function with a negative predictive value of 80%. In summary, the available evidence is currently insufficient to determine the role of this variant in disease. Therefore, it has been classified as a Variant of Uncertain Significance.